The following is an entry in ClinVar:

NM_005461.5(MAFB):c.368G>C (p.Ser123Thr)

Gene: MAFB (MAF bZIP transcription factor B; minus strand). Cytogenetic location: 20q12.
Variant type: single nucleotide variant.
Coding change: c.368G>C on transcript NM_005461.5 (MANE Select); coding-DNA position 368, G replaced by C.
Protein change: p.Ser123Thr; replaces serine 123 with threonine.
Molecular consequence: missense variant.
Genome position (GRCh38, 1-based): chr20:40,688,483, C>G on the plus strand (G>C on the coding strand, the complement: MAFB is on the minus strand). VCF-style: chr20-40688483-C-G. GRCh37 (hg19) VCF-style: chr20-39317123-C-G.
Other names: c.368G>C (NM_005461.3); short protein forms S123T.
Identifiers: ClinVar variation 895058 (VCV000895058.13), dbSNP rs767671011, ClinGen allele CA9857804.

ClinVar aggregate classification (germline): Conflicting classifications of pathogenicity. Review status: criteria provided, conflicting classifications (1 of 4 stars). 3 submissions from 3 submitters: Uncertain significance (2); Likely benign (1). Last evaluated 2026-01-11.

Conditions:
Inborn genetic diseases. Identifiers: MedGen C0950123, MeSH D030342.
Multicentric carpo-tarsal osteolysis with or without nephropathy. Also called: MULTICENTRIC CARPOTARSAL OSTEOLYSIS SYNDROME; MULTICENTRIC OSTEOLYSIS, AUTOSOMAL DOMINANT; Multicentric Osteolysis of Carpal Bones and Nephropathy; OSTEOLYSIS, HEREDITARY, OF CARPAL BONES WITH OR WITHOUT NEPHROPATHY; Multicentric Carpotarsal Osteolysis with or without Nephropathy; Carnevale Canun Mendoza syndrome. Identifiers: Orphanet 2774, MedGen C2674705, MONDO:0008152, OMIM 166300.

Allele frequency attached by ClinVar (database versions not stated): ExAC 0.00005; gnomAD exomes 0.00008 and 0.00010; TOPMed 0.00009; gnomAD 0.00011 and 0.00013.
gnomAD v4.1: 159 of 1,610,886 alleles (0.0099%); highest among the groups gnomAD compares: Admixed American, 0.017%; no homozygotes.

Submissions (3):

Labcorp Genetics (formerly Invitae), Labcorp
Classification: Uncertain significance. Last evaluated: 2026-01-11. Review status: criteria provided, single submitter. Criteria: Invitae Variant Classification Sherloc (09022015). Collection method: clinical testing. Allele origin: germline.
Comment: This sequence change replaces serine, which is neutral and polar, with threonine, which is neutral and polar, at codon 123 of the MAFB protein (p.Ser123Thr). This variant is present in population databases (rs767671011, gnomAD 0.02%). This variant has not been reported in the literature in individuals affected with MAFB-related conditions. ClinVar contains an entry for this variant (Variation ID: 895058). Invitae Evidence Modeling of protein sequence and biophysical properties (such as structural, functional, and spatial information, amino acid conservation, physicochemical variation, residue mobility, and thermodynamic stability) indicates that this missense variant is not expected to disrupt MAFB protein function with a negative predictive value of 95%. In summary, the available evidence is currently insufficient to determine the role of this variant in disease. Therefore, it has been classified as a Variant of Uncertain Significance.

Ambry Genetics
Classification: Uncertain significance for Inborn genetic diseases. Last evaluated: 2023-03-14. Review status: criteria provided, single submitter. Criteria: Ambry Variant Classification Scheme 2023. Collection method: clinical testing. Allele origin: germline.

Illumina Laboratory Services, Illumina
Classification: Likely benign for Multicentric carpo-tarsal osteolysis with or without nephropathy. Last evaluated: 2018-01-13. Review status: criteria provided, single submitter. Criteria: ICSL Variant Classification Criteria 13 December 2019. Collection method: clinical testing. Allele origin: germline.
Comment: This variant was observed in the ICSL laboratory as part of a predisposition screen in an ostensibly healthy population. It had not been previously curated by ICSL or reported in the Human Gene Mutation Database (HGMD: prior to June 1st, 2018), and was therefore a candidate for classification through an automated scoring system. Utilizing variant allele frequency, disease prevalence and penetrance estimates, and inheritance mode, an automated score was calculated to assess if this variant is too frequent to cause the disease. Based on the score and internal cut-off values, a variant classified as likely benign is not then subjected to further curation. The score for this variant resulted in a classification of likely benign for this disease.